The following is an entry in ClinVar:

NM_032043.3(BRIP1):c.3326G>A (p.Ser1109Asn)

Gene: BRIP1 (BRCA1 interacting DNA helicase 1; minus strand). Cytogenetic location: 17q23.2.
Variant type: single nucleotide variant.
Coding change: c.3326G>A on transcript NM_032043.3 (MANE Select); coding-DNA position 3326, G replaced by A.
Protein change: p.Ser1109Asn; replaces serine 1109 with asparagine.
Molecular consequence: missense variant.
Genome position (GRCh38, 1-based): chr17:61,683,720, C>T on the plus strand (G>A on the coding strand, the complement: BRIP1 is on the minus strand). VCF-style: chr17-61683720-C-T. GRCh37 (hg19) VCF-style: chr17-59761081-C-T.
Other names: short protein forms S1109N.
Identifiers: ClinVar variation 945106 (VCV000945106.14), dbSNP rs2061311430, ClinGen allele CA400478975.

ClinVar aggregate classification (germline): Uncertain significance. Review status: criteria provided, multiple submitters, no conflicts (2 of 4 stars). 2 submissions from 2 submitters: Uncertain significance (2). Last evaluated 2025-02-15.

Conditions:
Familial cancer of breast. Also called: BREAST CANCER, FAMILIAL; Hereditary breast cancer; hereditary breast carcinoma. Identifiers: Orphanet 227535, MedGen C0346153, MONDO:0016419, OMIM 114480. Disease mechanism: loss of function.
Fanconi anemia complementation group J. Also called: BRIP1-Related Fanconi Anemia. Identifiers: Orphanet 84, MedGen C1836860, MONDO:0012187, OMIM 609054.
Hereditary cancer-predisposing syndrome. Also called: Neoplastic Syndromes, Hereditary; Hereditary neoplastic syndrome; Hereditary Cancer Syndrome; Tumor predisposition. Identifiers: Orphanet 140162, MedGen C0027672, MeSH D009386, MONDO:0015356.

Allele frequency attached by ClinVar (database versions not stated): gnomAD 0.00001; TOPMed 0.00001.
gnomAD v4.1: 2 of 1,613,946 alleles (0.00012%); highest among the groups gnomAD compares: Non-Finnish European, 0.00017%; no homozygotes.

Submissions (2):

Ambry Genetics
Classification: Uncertain significance for Hereditary cancer-predisposing syndrome. Last evaluated: 2025-02-15. Review status: criteria provided, single submitter. Criteria: Ambry Variant Classification Scheme 2023. Collection method: clinical testing. Allele origin: germline.
Comment: The p.S1109N variant (also known as c.3326G>A), located in coding exon 19 of the BRIP1 gene, results from a G to A substitution at nucleotide position 3326. The serine at codon 1109 is replaced by asparagine, an amino acid with highly similar properties. This amino acid position is conserved. In addition, this alteration is predicted to be tolerated by in silico analysis. Since supporting evidence is limited at this time, the clinical significance of this alteration remains unclear.

Labcorp Genetics (formerly Invitae), Labcorp
Classification: Uncertain significance for Familial cancer of breast; Fanconi anemia complementation group J. Last evaluated: 2022-07-05. Review status: criteria provided, single submitter. Criteria: Invitae Variant Classification Sherloc (09022015). Collection method: clinical testing. Allele origin: germline.
Comment: In summary, the available evidence is currently insufficient to determine the role of this variant in disease. Therefore, it has been classified as a Variant of Uncertain Significance. Algorithms developed to predict the effect of missense changes on protein structure and function output the following: SIFT: "Tolerated"; PolyPhen-2: "Benign"; Align-GVGD: "Class C0". The asparagine amino acid residue is found in multiple mammalian species, which suggests that this missense change does not adversely affect protein function. ClinVar contains an entry for this variant (Variation ID: 945106). This variant has not been reported in the literature in individuals affected with BRIP1-related conditions. This variant is not present in population databases (gnomAD no frequency). This sequence change replaces serine, which is neutral and polar, with asparagine, which is neutral and polar, at codon 1109 of the BRIP1 protein (p.Ser1109Asn).